The following is an entry in ClinVar:

ClinVar aggregate classification (germline): Uncertain significance. Review status: criteria provided, multiple submitters, no conflicts (2 of 4 stars). 3 submissions from 3 submitters: Uncertain significance (3). Last evaluated 2023-06-01.

Allele frequency attached by ClinVar (database versions not stated): gnomAD 0.00001; gnomAD exomes 0.00001; TOPMed 0.00001.
gnomAD v4.1: 9 of 1,613,730 alleles (0.00056%); highest among the groups gnomAD compares: Non-Finnish European, 0.00076%; no homozygotes.

Submissions (3):

CeGaT Center for Human Genetics Tuebingen
Classification: Uncertain significance. Last evaluated: 2023-06-01. Review status: criteria provided, single submitter. Criteria: CeGaT Center For Human Genetics Tuebingen Variant Classification Criteria Version 2. Collection method: clinical testing. Allele origin: germline. Affected: yes. Observed: 2 variant alleles.
Comment: MME: PM2, PM3, PP4

Human Genetics Bochum, Ruhr University Bochum
Classification: Uncertain significance. Last evaluated: 2023-05-03. Review status: criteria provided, single submitter. Criteria: ACMG Guidelines, 2015. Collection method: clinical testing. Allele origin: germline. Affected: yes.
Comment: ACMG criteria used to clasify this variant: PS4_SUP, PM2_SUP, PP3

Labcorp Genetics (formerly Invitae), Labcorp
Classification: Uncertain significance. Last evaluated: 2022-09-01. Review status: criteria provided, single submitter. Criteria: Invitae Variant Classification Sherloc (09022015). Collection method: clinical testing. Allele origin: germline.
Comment: This sequence change replaces aspartic acid, which is acidic and polar, with asparagine, which is neutral and polar, at codon 120 of the MME protein (p.Asp120Asn). This variant also falls at the last nucleotide of exon 4, which is part of the consensus splice site for this exon. This variant is present in population databases (no rsID available, gnomAD 0.002%). This missense change has been observed in individual(s) with clinical features of progressive sensorimotor peripheral neuropathy (PMID: 33144514). ClinVar contains an entry for this variant (Variation ID: 1335544). Algorithms developed to predict the effect of missense changes on protein structure and function (SIFT, PolyPhen-2, Align-GVGD) all suggest that this variant is likely to be tolerated. Variants that disrupt the consensus splice site are a relatively common cause of aberrant splicing (PMID: 17576681, 9536098). Algorithms developed to predict the effect of sequence changes on RNA splicing suggest that this variant may disrupt the consensus splice site. In summary, the available evidence is currently insufficient to determine the role of this variant in disease. Therefore, it has been classified as a Variant of Uncertain Significance.

Literature cited by the submitters: PubMed 33144514 (cited by Labcorp Genetics (formerly Invitae), Labcorp); PubMed 17576681 (cited by Labcorp Genetics (formerly Invitae), Labcorp); PubMed 9536098 (cited by Labcorp Genetics (formerly Invitae), Labcorp).

NM_007289.4(MME):c.358G>A (p.Asp120Asn)

Gene: MME (membrane metalloendopeptidase; plus strand). Cytogenetic location: 3q25.2.
Variant type: single nucleotide variant.
Coding change: c.358G>A on transcript NM_007289.4 (MANE Select); coding-DNA position 358, G replaced by A.
Protein change: p.Asp120Asn; replaces aspartic acid 120 with asparagine.
Molecular consequence: missense variant.
Genome position (GRCh38, 1-based): chr3:155,115,155, G>A. VCF-style: chr3-155115155-G-A. GRCh37 (hg19) VCF-style: chr3-154832944-G-A.
Other names: c.358G>A, p.Asp120Asn (NM_000902.5, NM_001354642.2, NM_001354643.1 and 2 more transcripts); short protein forms D120N.
Identifiers: ClinVar variation 1335544 (VCV001335544.39), dbSNP rs1440811096, ClinGen allele CA355127700.
Genomic context (GRCh38, chr3:155,115,155, plus strand): 5'-ACCAGCTCCCGTTACGGCAACTTTGACATTTTAAGAGATGAACTAGAAGTCGTTTTGAAA[G>A]GTTAGTAGAGATTGTGTCTGTGCATCAAAGATTTCTCTCTTAATATGTTCATTTTTTAAA-3'
Protein context (NP_009220.2, residues 110-130): LRDELEVVLK[Asp120Asn]VLQEPKTEDI